The following is an entry in ClinVar:

NM_152617.4(RNF168):c.209C>G (p.Ser70Cys)

Gene: RNF168 (ring finger protein 168; minus strand). Cytogenetic location: 3q29.
Variant type: single nucleotide variant.
Coding change: c.209C>G on transcript NM_152617.4 (MANE Select); coding-DNA position 209, C replaced by G.
Protein change: p.Ser70Cys; replaces serine 70 with cysteine.
Molecular consequence: missense variant.
Genome position (GRCh38, 1-based): chr3:196,502,965, G>C on the plus strand (C>G on the coding strand, the complement: RNF168 is on the minus strand). VCF-style: chr3-196502965-G-C. GRCh37 (hg19) VCF-style: chr3-196229836-G-C.
Other names: short protein forms S70C.
Identifiers: ClinVar variation 1429029 (VCV001429029.3), dbSNP rs746582968, ClinGen allele CA90872386.

ClinVar aggregate classification (germline): Uncertain significance (1 of 4 stars; one submission).

gnomAD v4.1: 39 of 1,613,878 alleles (0.0024%); highest among the groups gnomAD compares: African/African-American, 0.011%; no homozygotes.

Submission:

Labcorp Genetics (formerly Invitae), Labcorp
Classification: Uncertain significance. Last evaluated: 2022-09-13. Review status: criteria provided, single submitter. Criteria: Invitae Variant Classification Sherloc (09022015). Collection method: clinical testing. Allele origin: germline.
Comment: This sequence change replaces serine, which is neutral and polar, with cysteine, which is neutral and slightly polar, at codon 70 of the RNF168 protein (p.Ser70Cys). This variant is present in population databases (no rsID available, gnomAD 0.004%). This variant has not been reported in the literature in individuals affected with RNF168-related conditions. ClinVar contains an entry for this variant (Variation ID: 1429029). Algorithms developed to predict the effect of missense changes on protein structure and function are either unavailable or do not agree on the potential impact of this missense change (SIFT: "Deleterious"; PolyPhen-2: "Possibly Damaging"; Align-GVGD: "Class C0"). In summary, the available evidence is currently insufficient to determine the role of this variant in disease. Therefore, it has been classified as a Variant of Uncertain Significance.